The following is an entry in ClinVar:

NM_000051.4(ATM):c.606_615dup (p.Asn206Ter)

Gene: ATM (ATM serine/threonine kinase; plus strand). Cytogenetic location: 11q22.3.
Variant type: Duplication.
Coding change: c.606_615dup on transcript NM_000051.4 (MANE Select); coding-DNA positions 606 to 615, 10 bases duplicated (TGACGGATTA; older notation c.606_615dupTGACGGATTA).
Protein change: p.Asn206Ter; replaces asparagine 206 with a stop codon.
Molecular consequence: nonsense.
Genome position (GRCh38, 1-based): chr11:108,244,062-108,244,071, TGACGGATTA duplicated. VCF-style (leftmost placement, unchanged base first): chr11-108244061-C-CTGACGGATTA. GRCh37 (hg19) VCF-style: chr11-108114788-C-CTGACGGATTA.
Other names: c.606_615dup, p.Asn206Ter (NM_001351834.2); short protein forms N206*.
Identifiers: ClinVar variation 2001588 (VCV002001588.4), dbSNP rs2497132875, ClinGen allele CA2580083204.

ClinVar aggregate classification (germline): Pathogenic (1 of 4 stars; one submission).

Conditions:
Ataxia-telangiectasia syndrome (AT). Also called: Ataxia-telangiectasia, complementation group E; Ataxia-telangiectasia; ATAXIA-TELANGIECTASIA, COMPLEMENTATION GROUP A; Ataxia-telangiectasia, complementation group D; Ataxia telangiectasia (A-T); LOUIS-BAR SYNDROME. Identifiers: Orphanet 100, MedGen C0004135, MONDO:0008840, OMIM 208900.

Submission:

Labcorp Genetics (formerly Invitae), Labcorp
Classification: Pathogenic for Ataxia-telangiectasia syndrome. Last evaluated: 2022-06-01. Review status: criteria provided, single submitter. Criteria: Invitae Variant Classification Sherloc (09022015). Collection method: clinical testing. Allele origin: germline.
Comment: This sequence change creates a premature translational stop signal (p.Asn206*) in the ATM gene. It is expected to result in an absent or disrupted protein product. Loss-of-function variants in ATM are known to be pathogenic (PMID: 23807571, 25614872). This variant is not present in population databases (gnomAD no frequency). This variant has not been reported in the literature in individuals affected with ATM-related conditions. For these reasons, this variant has been classified as Pathogenic.

Literature cited by the submitters: PubMed 23807571; PubMed 25614872.